The following is an entry in ClinVar:

NM_013266.4(CTNNA3):c.1612G>T (p.Gly538Cys)

Gene: CTNNA3 (catenin alpha 3; minus strand). Cytogenetic location: 10q21.3.
Variant type: single nucleotide variant.
Coding change: c.1612G>T on transcript NM_013266.4 (MANE Select); coding-DNA position 1612, G replaced by T.
Protein change: p.Gly538Cys; replaces glycine 538 with cysteine.
Molecular consequence: missense variant.
Genome position (GRCh38, 1-based): chr10:66,379,272, C>A on the plus strand (G>T on the coding strand, the complement: CTNNA3 is on the minus strand). VCF-style: chr10-66379272-C-A. GRCh37 (hg19) VCF-style: chr10-68139030-C-A.
Other names: c.1612G>T, p.Gly538Cys (NM_001127384.3); short protein forms G538C.
Identifiers: ClinVar variation 2888847 (VCV002888847.3), dbSNP rs781257513, ClinGen allele CA5519881.
Genomic context (GRCh38, chr10:66,379,272, plus strand): 5'-AACTGTCCATTTCACCCGTGACGATGTGAGCAACTCTTGCTGCCCGGCCTCTGATAGCAC[C>A]CGCAGCACGGTCTAAATTATCAGCATCCTGGTCTCTTAAGGCTATGATACACTTGTTGAC-3'
Protein context (NP_037398.2, residues 528-548): QDADNLDRAA[Gly538Cys]AIRGRAARVA

ClinVar aggregate classification (germline): Uncertain significance (1 of 4 stars; one submission).

Conditions:
Arrhythmogenic right ventricular dysplasia 13. Also called: ARRHYTHMOGENIC RIGHT VENTRICULAR CARDIOMYOPATHY 13; Arrhythmogenic right ventricular dysplasia, familial, 13. Identifiers: MedGen C3810138, MONDO:0000908, OMIM 615616.

Allele frequency attached by ClinVar (database versions not stated): ExAC 0.00001; gnomAD 0.00001; TOPMed 0.00001.
gnomAD v4.1: 5 of 1,614,024 alleles (0.00031%); highest among the groups gnomAD compares: Admixed American, 0.0017%; no homozygotes.

Submission:

Labcorp Genetics (formerly Invitae), Labcorp
Classification: Uncertain significance for Arrhythmogenic right ventricular dysplasia 13. Last evaluated: 2023-08-17. Review status: criteria provided, single submitter. Criteria: Invitae Variant Classification Sherloc (09022015). Collection method: clinical testing. Allele origin: germline.
Comment: This variant has not been reported in the literature in individuals affected with CTNNA3-related conditions. In summary, the available evidence is currently insufficient to determine the role of this variant in disease. Therefore, it has been classified as a Variant of Uncertain Significance. Advanced modeling of protein sequence and biophysical properties (such as structural, functional, and spatial information, amino acid conservation, physicochemical variation, residue mobility, and thermodynamic stability) performed at Invitae indicates that this missense variant is expected to disrupt CTNNA3 protein function. This variant is present in population databases (rs781257513, gnomAD 0.003%). This sequence change replaces glycine, which is neutral and non-polar, with cysteine, which is neutral and slightly polar, at codon 538 of the CTNNA3 protein (p.Gly538Cys).